The following is an entry in ClinVar:

NM_004525.3(LRP2):c.10790A>G (p.Asn3597Ser)

Gene: LRP2 (LDL receptor related protein 2; minus strand). Cytogenetic location: 2q31.1.
Variant type: single nucleotide variant.
Coding change: c.10790A>G on transcript NM_004525.3 (MANE Select); coding-DNA position 10790, A replaced by G.
Protein change: p.Asn3597Ser; replaces asparagine 3597 with serine.
Molecular consequence: missense variant.
Genome position (GRCh38, 1-based): chr2:169,174,143, T>C on the plus strand (A>G on the coding strand, the complement: LRP2 is on the minus strand). VCF-style: chr2-169174143-T-C. GRCh37 (hg19) VCF-style: chr2-170030653-T-C.
Other names: c.10790A>G (NM_004525.2); short protein forms N3597S.
Identifiers: ClinVar variation 1494405 (VCV001494405.7), dbSNP rs777356886, ClinGen allele CA1953240.

ClinVar aggregate classification (germline): Uncertain significance. Review status: criteria provided, multiple submitters, no conflicts (2 of 4 stars). 3 submissions from 3 submitters: Uncertain significance (3). Last evaluated 2025-08-04.

Conditions:
Donnai-Barrow syndrome. Also called: DBS/FOAR SYNDROME; FACIOOCULOACOUSTICORENAL SYNDROME. Identifiers: Orphanet 2143, MedGen C1857277, MONDO:0009104, OMIM 222448.
Inborn genetic diseases. Identifiers: MedGen C0950123, MeSH D030342.

Allele frequency attached by ClinVar (database versions not stated): gnomAD 0.00003 and 0.00002; gnomAD exomes 0.00003 and 0.00001; ExAC 0.00002; TOPMed 0.00002.
gnomAD v4.1: 44 of 1,614,140 alleles (0.0027%); highest among the groups gnomAD compares: African/African-American, 0.008%; no homozygotes.

Submissions (3):

Ambry Genetics
Classification: Uncertain significance for Inborn genetic diseases. Last evaluated: 2025-08-04. Review status: criteria provided, single submitter. Criteria: Ambry Variant Classification Scheme 2023. Collection method: clinical testing. Allele origin: germline.

Labcorp Genetics (formerly Invitae), Labcorp
Classification: Uncertain significance. Last evaluated: 2023-11-20. Review status: criteria provided, single submitter. Criteria: Invitae Variant Classification Sherloc (09022015). Collection method: clinical testing. Allele origin: germline.
Comment: This sequence change replaces asparagine, which is neutral and polar, with serine, which is neutral and polar, at codon 3597 of the LRP2 protein (p.Asn3597Ser). This variant is present in population databases (rs777356886, gnomAD 0.003%). This variant has not been reported in the literature in individuals affected with LRP2-related conditions. ClinVar contains an entry for this variant (Variation ID: 1494405). Algorithms developed to predict the effect of missense changes on protein structure and function output the following: SIFT: "Not Available"; PolyPhen-2: "Possibly Damaging"; Align-GVGD: "Not Available". The serine amino acid residue is found in multiple mammalian species, which suggests that this missense change does not adversely affect protein function. In summary, the available evidence is currently insufficient to determine the role of this variant in disease. Therefore, it has been classified as a Variant of Uncertain Significance.

Fulgent Genetics
Classification: Uncertain significance for Donnai-Barrow syndrome. Last evaluated: 2021-10-25. Review status: criteria provided, single submitter. Criteria: ACMG Guidelines, 2015. Collection method: clinical testing. Allele origin: unknown.